The following is an entry in ClinVar:

NM_017777.4(MKS1):c.609_610delinsC (p.Met204fs)

Gene: MKS1 (MKS transition zone complex subunit 1; minus strand). Cytogenetic location: 17q22.
Variant type: Indel.
Coding change: c.609_610delinsC on transcript NM_017777.4 (MANE Select); coding-DNA positions 609 to 610, AA replaced by C.
Protein change: p.Met204fs; shifts the reading frame from methionine 204.
Molecular consequence: frameshift variant. On other transcripts: initiator codon variant (1).
Genome position (GRCh38, 1-based): chr17:58,214,293-58,214,294, TT replaced by G on the plus strand (AA replaced by C on the coding strand, the reverse complement: MKS1 is on the minus strand). VCF-style: chr17-58214293-TT-G. GRCh37 (hg19) VCF-style: chr17-56291654-TT-G.
Other names: c.-1_1delinsC, p.Met1fs (NM_001321268.2); c.609_610delinsC, p.Met204fs (NM_001321269.2, NM_001330397.2, NM_001411113.1); short protein forms M1fs, M204fs.
Identifiers: ClinVar variation 5015385 (VCV005015385.1).

ClinVar aggregate classification (germline): Pathogenic (1 of 4 stars; one submission).

Conditions:
Ciliopathy. Also called: Ciliopathies. Identifiers: Orphanet 363250, MedGen C4277690, MONDO:0005308, MeSH D000072661.

Submission:

Myriad Genetics, Inc.
Classification: Pathogenic for Ciliopathy. Last evaluated: 2026-01-01. Review status: criteria provided, single submitter. Criteria: Myriad Autosomal Dominant, Autosomal Recessive and X-Linked Classification Criteria (2023). Collection method: clinical testing. Allele origin: unknown.
Comment: NM_017777.3(MKS1):c.609_610delAAinsC(M204Cfs*25) is expected to be pathogenic in the context of MKS1-related disorders. This variant is predicted to lead to an abnormal or absent protein product due to the creation of a premature termination codon in MKS1, a gene where loss-of-function variants are known to be pathogenic. Please note: this variant was assessed in the context of healthy population screening.